The following is an entry in ClinVar:

ClinVar aggregate classification (germline): Likely pathogenic (1 of 4 stars; one submission).

Conditions:
GNE myopathy (NM). Also called: INCLUSION BODY MYOPATHY, HEREDITARY, AUTOSOMAL RECESSIVE; INCLUSION BODY MYOPATHY 2, AUTOSOMAL RECESSIVE; NONAKA DISTAL MYOPATHY; MYOPATHY, DISTAL, WITH OR WITHOUT RIMMED VACUOLES; IBM 2; Inclusion body myopathy autosomal recessive. Identifiers: Orphanet 602, MedGen C1853926, MONDO:0011603, OMIM 605820.

Submission:

Myriad Genetics, Inc.
Classification: Likely pathogenic for GNE myopathy. Last evaluated: 2020-02-15. Review status: criteria provided, single submitter. Criteria: Myriad Women's Health Autosomal Recessive and X-Linked Classification Criteria (2019). Collection method: clinical testing. Allele origin: unknown.
Comment: NM_001128227.2(GNE):c.1322T>A(L441*) is expected to be pathogenic in the context of GNE myopathy. This variant is predicted to lead to an abnormal or absent protein product due to the creation of a premature termination codon in GNE, a gene where loss-of-function variants are known to be pathogenic. Please note: this variant was assessed in the context of healthy population screening.

NM_005476.7(GNE):c.1229T>A (p.Leu410Ter)

Gene: GNE (glucosamine (UDP-N-acetyl)-2-epimerase/N-acetylmannosamine kinase; minus strand). Cytogenetic location: 9p13.3.
Variant type: single nucleotide variant.
Coding change: c.1229T>A on transcript NM_005476.7 (MANE Select); coding-DNA position 1229, T replaced by A.
Protein change: p.Leu410Ter; replaces leucine 410 with a stop codon.
Molecular consequence: nonsense.
Genome position (GRCh38, 1-based): chr9:36,227,300, A>T on the plus strand (T>A on the coding strand, the complement: GNE is on the minus strand). VCF-style: chr9-36227300-A-T. GRCh37 (hg19) VCF-style: chr9-36227297-A-T.
Other names: c.1322T>A, p.Leu441Ter (NM_001128227.3); c.1229T>A, p.Leu410Ter (NM_001190383.3); c.899T>A, p.Leu300Ter (NM_001190384.3); c.1052T>A, p.Leu351Ter (NM_001190388.2, NM_001374798.1); c.1076T>A, p.Leu359Ter (NM_001374797.1); short protein forms L300*, L351*, L359*, L410*, L441*.
Identifiers: ClinVar variation 984338 (VCV000984338.3), dbSNP rs1828914261, ClinGen allele CA373428694.